The following is an entry in ClinVar:

ClinVar aggregate classification (germline): Uncertain significance (1 of 4 stars; one submission).

Allele frequency attached by ClinVar (database versions not stated): gnomAD exomes below 0.00001.
gnomAD v4.1: 1 of 1,613,852 alleles (0.000062%); highest among the groups gnomAD compares: Non-Finnish European, 0.000085%; no homozygotes.

Submission:

GeneDx
Classification: Uncertain significance. Last evaluated: 2019-06-24. Review status: criteria provided, single submitter. Criteria: GeneDx Variant Classification Process June 2021. Collection method: clinical testing. Allele origin: germline. Affected: yes.
Comment: Has not been previously published as pathogenic or benign to our knowledge; Not observed in large population cohorts (Lek et al., 2016); In silico analysis, which includes protein predictors and evolutionary conservation, supports that this variant does not alter protein structure/function; Not located in the triple helical region, where the majority of pathogenic missense variants occur (Stenson et al., 2014)

NM_001844.5(COL2A1):c.4078A>G (p.Ser1360Gly)

Gene: COL2A1 (collagen type II alpha 1 chain; minus strand). Cytogenetic location: 12q13.11.
Variant type: single nucleotide variant.
Coding change: c.4078A>G on transcript NM_001844.5 (MANE Select); coding-DNA position 4078, A replaced by G.
Protein change: p.Ser1360Gly; replaces serine 1360 with glycine.
Molecular consequence: missense variant.
Genome position (GRCh38, 1-based): chr12:47,974,328, T>C on the plus strand (A>G on the coding strand, the complement: COL2A1 is on the minus strand). VCF-style: chr12-47974328-T-C. GRCh37 (hg19) VCF-style: chr12-48368111-T-C.
Other names: c.3871A>G, p.Ser1291Gly (NM_033150.3); short protein forms S1291G, S1360G.
Identifiers: ClinVar variation 1306624 (VCV001306624.2), dbSNP rs2136506426, ClinGen allele CA384534007.
Genomic context (GRCh38, chr12:47,974,328, plus strand): 5'-GGCGTAGGAAGGTCATCTGGACGTTGGCAGTGTTGGGAGCCAGATTGTCATCTCCATAGC[T>C]GAACTGTTGGGGCAGAGAGCGGCAGTGTGAGGCCTGGGAGCTGGCATTCAATGGGACCAG-3'
Protein context (NP_001835.3, residues 1350-1370): GETINGGFHF[Ser1360Gly]YGDDNLAPNT